The following is an entry in ClinVar:

NM_138927.4(SON):c.2550C>A (p.Thr850=)

Gene: SON (SON DNA and RNA binding protein; plus strand). Cytogenetic location: 21q22.11.
Variant type: single nucleotide variant.
Coding change: c.2550C>A on transcript NM_138927.4 (MANE Select); coding-DNA position 2550, C replaced by A.
Protein change: p.Thr850=; no amino-acid change (threonine 850 retained).
Molecular consequence: synonymous variant. On other transcripts: non-coding transcript variant (1), intron variant (1).
Genome position (GRCh38, 1-based): chr21:33,551,781, C>A. VCF-style: chr21-33551781-C-A. GRCh37 (hg19) VCF-style: chr21-34924087-C-A.
Other names: c.2550C>A, p.Thr850= (NM_001291411.2, NM_032195.3); c.245-5375C>A (NM_001291412.3); c.2550C>A (NM_138927.2).
Identifiers: ClinVar variation 788038 (VCV000788038.11), dbSNP rs73900349, ClinGen allele CA10009119.

ClinVar aggregate classification (germline): Benign. Review status: criteria provided, single submitter (1 of 4 stars). 2 submissions from 2 submitters: Benign (1). 1 of the submissions does not count toward it. Last evaluated 2026-01-17.

Conditions:
SON-related disorder. Also called: SON-related condition.

Allele frequency attached by ClinVar (database versions not stated): gnomAD exomes 0.00009; ExAC 0.00026; ESP Exome Variant Server 0.00100; TOPMed 0.00119; 1000 Genomes Project 30x 0.00156; 1000 Genomes Project 0.00160.
gnomAD v4.1: 211 of 1,613,064 alleles (0.013%); highest among the groups gnomAD compares: African/African-American, 0.24%; no homozygotes.

Submissions (2):

Labcorp Genetics (formerly Invitae), Labcorp
Classification: Benign. Last evaluated: 2026-01-17. Review status: criteria provided, single submitter. Criteria: Invitae Variant Classification Sherloc (09022015). Collection method: clinical testing. Allele origin: germline.

PreventionGenetics, part of Exact Sciences
Classification: Likely benign for SON-related condition. Last evaluated: 2019-11-25. Review status: no assertion criteria provided. Collection method: clinical testing. Allele origin: germline. Not counted in ClinVar's aggregate classification.
Comment: This variant is classified as likely benign based on ACMG/AMP sequence variant interpretation guidelines (Richards et al. 2015 PMID: 25741868, with internal and published modifications).